The following is an entry in ClinVar:

ClinVar aggregate classification (germline): Likely pathogenic (1 of 4 stars; one submission).

Conditions:
CFTR-related disorder (CFTR-RD). Also called: CFTR-related disorders; CFTR-related condition. Identifiers: MedGen C5924204, MONDO:7770004.

Submission:

Natera, Inc.
Classification: Likely pathogenic for CFTR-related disorders. Last evaluated: 2025-12-22. Review status: criteria provided, single submitter. Criteria: Natera Variant Classification Schema (03/2026). Collection method: clinical testing. Allele origin: germline.
Comment: The c.3733_3824del variant in CFTR is a frameshift variant predicted to shift the reading frame beginning at codon 1245 and leads to a stop codon 26 codons downstream. This variant is expected to result in nonsense mediated decay, truncation, or a dysfunctional protein product. This variant is rare in the general population with a frequency below the threshold expected for the associated phenotype(s). Given the available evidence, this variant is classified as Likely Pathogenic.

NM_000492.4(CFTR):c.3733_3824del (p.Arg1245fs)

Genes: CFTR-AS2 (CFTR antisense RNA 2; minus strand), CFTR (CF transmembrane conductance regulator; plus strand). Cytogenetic location: 7q31.2.
Variant type: Deletion.
Coding change: c.3733_3824del on transcript NM_000492.4 (MANE Select); coding-DNA positions 3733 to 3824, 92 bases deleted.
Protein change: p.Arg1245fs; shifts the reading frame from arginine 1245.
Molecular consequence: frameshift variant.
Genome position (GRCh38, 1-based): chr7:117,642,453-117,642,544, 92 bases deleted. GRCh37 (hg19): chr7:117,282,507-117,282,598.
Other names: c.3733_3824del92, p.Arg1245Phefs (NM_000492.3); short protein forms R1245fs.
Identifiers: ClinVar variation 4818545 (VCV004818545.1).